The following is an entry in ClinVar:

NM_001042492.3(NF1):c.6826G>A (p.Glu2276Lys)

Gene: NF1 (neurofibromin 1; plus strand). Cytogenetic location: 17q11.2.
Variant type: single nucleotide variant.
Coding change: c.6826G>A on transcript NM_001042492.3 (MANE Select); coding-DNA position 6826, G replaced by A.
Protein change: p.Glu2276Lys; replaces glutamic acid 2276 with lysine.
Molecular consequence: missense variant.
Genome position (GRCh38, 1-based): chr17:31,338,710, G>A. VCF-style: chr17-31338710-G-A. GRCh37 (hg19) VCF-style: chr17-29665728-G-A.
Other names: c.6763G>A, p.Glu2255Lys (NM_000267.4); short protein forms E2255K, E2276K.
Identifiers: ClinVar variation 1446793 (VCV001446793.8), dbSNP rs2069742475, ClinGen allele CA399014249.
Genomic context (GRCh38, chr17:31,338,710, plus strand): 5'-AGTTAATGTTTTATTTCAATGAAAGTAAAATAAAAAATTCTGTTTTCCTAAAAGGCACTT[G>A]AGAGTTGCTTAAAAGGACCTGACACTTACAACAGTCAAGTTCTGATAGAAGCTACAGTAA-3'
Protein context (NP_001035957.1, residues 2266-2286): QIIRILSKAL[Glu2276Lys]SCLKGPDTYN

ClinVar aggregate classification (germline): Uncertain significance. Review status: criteria provided, multiple submitters, no conflicts (2 of 4 stars). 2 submissions from 2 submitters: Uncertain significance (2). Last evaluated 2024-12-04.

Conditions:
Hereditary cancer-predisposing syndrome. Also called: Tumor predisposition; Hereditary neoplastic syndrome; Hereditary Cancer Syndrome; Neoplastic Syndromes, Hereditary. Identifiers: Orphanet 140162, MedGen C0027672, MeSH D009386, MONDO:0015356.
Cardiovascular phenotype. Identifiers: MedGen CN230736.
Neurofibromatosis, type 1 (NF1). Also called: NEUROFIBROMATOSIS, TYPE I, SOMATIC; VON RECKLINGHAUSEN DISEASE; Peripheral type neurofibromatosis; Neurofibromatosis, type I. Identifiers: Orphanet 636, MedGen C0027831, MONDO:0018975, OMIM 162200. Disease mechanism: loss of function.

Submissions (2):

Labcorp Genetics (formerly Invitae), Labcorp
Classification: Uncertain significance for Neurofibromatosis, type 1. Last evaluated: 2024-12-04. Review status: criteria provided, single submitter. Criteria: Invitae Variant Classification Sherloc (09022015). Collection method: clinical testing. Allele origin: germline.
Comment: This sequence change replaces glutamic acid, which is acidic and polar, with lysine, which is basic and polar, at codon 2255 of the NF1 protein (p.Glu2255Lys). This variant is not present in population databases (gnomAD no frequency). This variant has not been reported in the literature in individuals affected with NF1-related conditions. ClinVar contains an entry for this variant (Variation ID: 1446793). Invitae Evidence Modeling of protein sequence and biophysical properties (such as structural, functional, and spatial information, amino acid conservation, physicochemical variation, residue mobility, and thermodynamic stability) indicates that this missense variant is not expected to disrupt NF1 protein function with a negative predictive value of 95%. In summary, the available evidence is currently insufficient to determine the role of this variant in disease. Therefore, it has been classified as a Variant of Uncertain Significance.

Ambry Genetics
Classification: Uncertain significance for Cardiovascular phenotype; Hereditary cancer-predisposing syndrome. Last evaluated: 2021-03-15. Review status: criteria provided, single submitter. Criteria: Ambry Variant Classification Scheme 2023. Collection method: clinical testing. Allele origin: germline.
Comment: The p.E2255K variant (also known as c.6763G>A), located in coding exon 45 of the NF1 gene, results from a G to A substitution at nucleotide position 6763. The glutamic acid at codon 2255 is replaced by lysine, an amino acid with similar properties. This amino acid position is highly conserved in available vertebrate species. In addition, this alteration is predicted to be deleterious by in silico analysis. Since supporting evidence is limited at this time, the clinical significance of this alteration remains unclear.